The following is an entry in ClinVar:

NM_001142966.3(GREB1L):c.5679A>T (p.Glu1893Asp)

Gene: GREB1L (GREB1 like retinoic acid receptor coactivator; plus strand). Cytogenetic location: 18q11.2.
Variant type: single nucleotide variant.
Coding change: c.5679A>T on transcript NM_001142966.3 (MANE Select); coding-DNA position 5679, A replaced by T.
Protein change: p.Glu1893Asp; replaces glutamic acid 1893 with aspartic acid.
Molecular consequence: missense variant.
Genome position (GRCh38, 1-based): chr18:21,522,728, A>T. VCF-style: chr18-21522728-A-T. GRCh37 (hg19) VCF-style: chr18-19102689-A-T.
Other names: c.5808A>T, p.Glu1936Asp (NM_001410867.1); c.5352A>T, p.Glu1784Asp (NM_001410868.1); short protein forms E1936D, E1784D, E1893D.
Identifiers: ClinVar variation 4977034 (VCV004977034.1).
Genomic context (GRCh38, chr18:21,522,728, plus strand): 5'-GTGTGTCATCTGCCAAGACAGAAGTTCCTTGCGCCAAACAATTGTCCGCTTAGAGCTAGA[A>T]GATGAGTGGCAGTTCCGCCTCCGGGACGAGTTTCAAACTGCTAACAGCAGTGATGACAAG-3'
Protein context (NP_001136438.1, residues 1883-1903): LRQTIVRLEL[Glu1893Asp]DEWQFRLRDE

ClinVar aggregate classification (germline): Uncertain significance (1 of 4 stars; one submission).

Conditions:
GREB1L-related disorder. Also called: GREB1L-related condition.

gnomAD v4.1: 15 of 1,551,634 alleles (0.00097%); highest among the groups gnomAD compares: Admixed American, 0.02%; no homozygotes.

Submission:

PreventionGenetics, part of Exact Sciences
Classification: Uncertain significance for GREB1L-related condition. Last evaluated: 2026-05-14. Review status: criteria provided, single submitter. Criteria: ACMG Guidelines, 2015. Collection method: clinical testing. Allele origin: germline.
Comment: The GREB1L c.5679A>T variant is predicted to result in the amino acid substitution p.Glu1893Asp. To our knowledge, this variant has not been reported in the literature. This variant is reported in 0.0039% of alleles in individuals of Latino descent in gnomAD. At this time, the clinical significance of this variant is uncertain due to the absence of conclusive functional and genetic evidence.